The following is an entry in ClinVar:

NM_144631.6(ZNF513):c.1130G>A (p.Arg377Gln)

Gene: ZNF513 (zinc finger protein 513; minus strand). Cytogenetic location: 2p23.3.
Variant type: single nucleotide variant.
Coding change: c.1130G>A on transcript NM_144631.6 (MANE Select); coding-DNA position 1130, G replaced by A.
Protein change: p.Arg377Gln; replaces arginine 377 with glutamine.
Molecular consequence: missense variant.
Genome position (GRCh38, 1-based): chr2:27,378,041, C>T on the plus strand (G>A on the coding strand, the complement: ZNF513 is on the minus strand). VCF-style: chr2-27378041-C-T. GRCh37 (hg19) VCF-style: chr2-27600908-C-T.
Other names: c.944G>A, p.Arg315Gln (NM_001201459.2); short protein forms R377Q, R315Q.
Identifiers: ClinVar variation 3645458 (VCV003645458.2).

ClinVar aggregate classification (germline): Uncertain significance (1 of 4 stars; one submission).

Submission:

Labcorp Genetics (formerly Invitae), Labcorp
Classification: Uncertain significance. Last evaluated: 2024-08-11. Review status: criteria provided, single submitter. Criteria: Invitae Variant Classification Sherloc (09022015). Collection method: clinical testing. Allele origin: germline.
Comment: This sequence change replaces arginine, which is basic and polar, with glutamine, which is neutral and polar, at codon 377 of the ZNF513 protein (p.Arg377Gln). This variant is not present in population databases (gnomAD no frequency). This variant has not been reported in the literature in individuals affected with ZNF513-related conditions. An algorithm developed to predict the effect of missense changes on protein structure and function (PolyPhen-2) suggests that this variant is likely to be disruptive. Algorithms developed to predict the effect of sequence changes on RNA splicing suggest that this variant may create or strengthen a splice site. In summary, the available evidence is currently insufficient to determine the role of this variant in disease. Therefore, it has been classified as a Variant of Uncertain Significance.